The following is an entry in ClinVar:

NM_020911.2(PLXNA4):c.3319C>T (p.His1107Tyr)

Gene: PLXNA4 (plexin A4; minus strand). Cytogenetic location: 7q32.3.
Variant type: single nucleotide variant.
Coding change: c.3319C>T on transcript NM_020911.2 (MANE Select); coding-DNA position 3319, C replaced by T.
Protein change: p.His1107Tyr; replaces histidine 1107 with tyrosine.
Molecular consequence: missense variant.
Genome position (GRCh38, 1-based): chr7:132,181,554, G>A on the plus strand (C>T on the coding strand, the complement: PLXNA4 is on the minus strand). VCF-style: chr7-132181554-G-A. GRCh37 (hg19) VCF-style: chr7-131866313-G-A.
Other names: c.3319C>T, p.His1107Tyr (NM_001393897.1); short protein forms H1107Y.
Identifiers: ClinVar variation 3048985 (VCV003048985.2), dbSNP rs765370862, ClinGen allele CA4489520.

ClinVar aggregate classification (germline): Uncertain significance (0 of 4 stars; one submission).

Conditions:
PLXNA4-related disorder. Also called: PLXNA4-related condition.

Allele frequency attached by ClinVar (database versions not stated): gnomAD exomes below 0.00001; ExAC 0.00001.
gnomAD v4.1: 2 of 1,614,164 alleles (0.00012%); highest among the groups gnomAD compares: East Asian, 0.0045%; no homozygotes.

Submission:

PreventionGenetics, part of Exact Sciences
Classification: Uncertain significance for PLXNA4-related condition. Last evaluated: 2023-12-18. Review status: no assertion criteria provided. Collection method: clinical testing. Allele origin: germline.
Comment: The PLXNA4 c.3319C>T variant is predicted to result in the amino acid substitution p.His1107Tyr. To our knowledge, this variant has not been reported in the literature. This variant is reported in 0.0056% of alleles in individuals of East Asian descent in gnomAD. At this time, the clinical significance of this variant is uncertain due to the absence of conclusive functional and genetic evidence.